The following is an entry in ClinVar:

ClinVar aggregate classification (germline): Uncertain significance (1 of 4 stars; one submission).

Allele frequency attached by ClinVar (database versions not stated): gnomAD exomes below 0.00001; gnomAD 0.00001.
gnomAD v4.1: 4 of 1,029,366 alleles (0.00039%); highest among the groups gnomAD compares: Non-Finnish European, 0.00046%; no homozygotes.

Submission:

Labcorp Genetics (formerly Invitae), Labcorp
Classification: Uncertain significance. Last evaluated: 2025-06-02. Review status: criteria provided, single submitter. Criteria: Invitae Variant Classification Sherloc (09022015). Collection method: clinical testing. Allele origin: germline.
Comment: This sequence change replaces proline, which is neutral and non-polar, with arginine, which is basic and polar, at codon 3 of the TNFRSF11A protein (p.Pro3Arg). The frequency data for this variant in the population databases is considered unreliable, as metrics indicate insufficient coverage at this position in the gnomAD database. This variant has not been reported in the literature in individuals affected with TNFRSF11A-related conditions. ClinVar contains an entry for this variant (Variation ID: 1911389). Experimental studies and prediction algorithms are not available or were not evaluated, and the functional significance of this variant is currently unknown. In summary, the available evidence is currently insufficient to determine the role of this variant in disease. Therefore, it has been classified as a Variant of Uncertain Significance.

NM_003839.4(TNFRSF11A):c.8C>G (p.Pro3Arg)

Genes: TNFRSF11A (TNF receptor superfamily member 11a; plus strand), LOC130062628 (ATAC-STARR-seq lymphoblastoid silent region 9505; plus strand). Cytogenetic location: 18q21.33.
Variant type: single nucleotide variant.
Coding change: c.8C>G on transcript NM_003839.4 (MANE Select); coding-DNA position 8, C replaced by G.
Protein change: p.Pro3Arg; replaces proline 3 with arginine.
Molecular consequence: missense variant.
Genome position (GRCh38, 1-based): chr18:62,325,360, C>G. VCF-style: chr18-62325360-C-G. GRCh37 (hg19) VCF-style: chr18-59992593-C-G.
Other names: c.8C>G, p.Pro3Arg (NM_001270949.2, NM_001270950.2, NM_001270951.2 and 1 more transcripts); short protein forms P3R.
Identifiers: ClinVar variation 1911389 (VCV001911389.5), dbSNP rs1293779505, ClinGen allele CA402618587.